The following is an entry in ClinVar:

NM_000440.3(PDE6A):c.2494_2506del (p.Ser832fs)

Gene: PDE6A (phosphodiesterase 6A; minus strand). Cytogenetic location: 5q32.
Variant type: Deletion.
Coding change: c.2494_2506del on transcript NM_000440.3 (MANE Select); coding-DNA positions 2494 to 2506, 13 bases deleted (TCGGCCAAGTCAG).
Protein change: p.Ser832fs; shifts the reading frame from serine 832.
Molecular consequence: frameshift variant.
Genome position (GRCh38, 1-based): chr5:149,863,119-149,863,131, CTGACTTGGCCGA deleted on the plus strand (TCGGCCAAGTCAG on the coding strand, the reverse complement: PDE6A is on the minus strand); deleting any 13 consecutive bases within chr5:149,863,119-149,863,134 gives the same sequence; the c. name uses the placement nearest the transcript's 3' end. VCF-style (leftmost placement, unchanged base first): chr5-149863118-CCTGACTTGGCCGA-C. GRCh37 (hg19) VCF-style: chr5-149242681-CCTGACTTGGCCGA-C.
Other names: short protein forms S832fs.
Identifiers: ClinVar variation 934411 (VCV000934411.7), dbSNP rs1760201109, ClinGen allele CA1139659166.

ClinVar aggregate classification (germline): Uncertain significance (1 of 4 stars; one submission).

Submission:

Labcorp Genetics (formerly Invitae), Labcorp
Classification: Uncertain significance. Last evaluated: 2019-09-19. Review status: criteria provided, single submitter. Criteria: Invitae Variant Classification Sherloc (09022015). Collection method: clinical testing. Allele origin: germline.
Comment: In summary, the available evidence is currently insufficient to determine the role of this variant in disease. Therefore, it has been classified as a Variant of Uncertain Significance. Algorithms developed to predict the effect of sequence changes on RNA splicing suggest that this variant may disrupt the consensus splice site, but this prediction has not been confirmed by published transcriptional studies. This variant has not been reported in the literature in individuals with PDE6A-related conditions. This variant is not present in population databases (ExAC no frequency). This sequence change results in a premature translational stop signal in the PDE6A gene (p.Ser832Glnfs*56). While this is not anticipated to result in nonsense mediated decay, it is expected to disrupt the last 29 amino acids of the PDE6A protein.